The following is an entry in ClinVar:

NM_000051.4(ATM):c.3358T>C (p.Phe1120Leu)

Gene: ATM (ATM serine/threonine kinase; plus strand). Cytogenetic location: 11q22.3.
Variant type: single nucleotide variant.
Coding change: c.3358T>C on transcript NM_000051.4 (MANE Select); coding-DNA position 3358, T replaced by C.
Protein change: p.Phe1120Leu; replaces phenylalanine 1120 with leucine.
Molecular consequence: missense variant.
Genome position (GRCh38, 1-based): chr11:108,279,564, T>C. VCF-style: chr11-108279564-T-C. GRCh37 (hg19) VCF-style: chr11-108150291-T-C.
Other names: c.3358T>C, p.Phe1120Leu (NM_001351834.2); short protein forms F1120L.
Identifiers: ClinVar variation 2568250 (VCV002568250.2), dbSNP rs2546862569, ClinGen allele CA382517670.
Genomic context (GRCh38, chr11:108,279,564, plus strand): 5'-ACGAAGGGAGATTCTTCCAGGTTACTGAAAGCACTTCCTTTGAAGCTTCAGCAAACAGCT[T>C]TTGAAAATGCATACTTGAAAGCTCAGGAAGGAATGAGAGAAATGGTAATTTTAAGTAACA-3'
Protein context (NP_000042.3, residues 1110-1130): ALPLKLQQTA[Phe1120Leu]ENAYLKAQEG

ClinVar aggregate classification (germline): Uncertain significance (1 of 4 stars; one submission).

Conditions:
Hereditary cancer-predisposing syndrome. Also called: Hereditary neoplastic syndrome; Hereditary Cancer Syndrome; Neoplastic Syndromes, Hereditary; Tumor predisposition. Identifiers: Orphanet 140162, MedGen C0027672, MeSH D009386, MONDO:0015356.

Submission:

Ambry Genetics
Classification: Uncertain significance for Hereditary cancer-predisposing syndrome. Last evaluated: 2023-06-11. Review status: criteria provided, single submitter. Criteria: Ambry Variant Classification Scheme 2023. Collection method: clinical testing. Allele origin: germline.
Comment: The p.F1120L variant (also known as c.3358T>C), located in coding exon 22 of the ATM gene, results from a T to C substitution at nucleotide position 3358. The phenylalanine at codon 1120 is replaced by leucine, an amino acid with highly similar properties. This amino acid position is conserved. In addition, this alteration is predicted to be deleterious by in silico analysis. Since supporting evidence is limited at this time, the clinical significance of this alteration remains unclear.